The following is an entry in ClinVar:

NM_001001936.3(AFAP1L2):c.2286C>T (p.His762=)

Gene: AFAP1L2 (actin filament associated protein 1 like 2; minus strand). Cytogenetic location: 10q25.3.
Variant type: single nucleotide variant.
Coding change: c.2286C>T on transcript NM_001001936.3 (MANE Select); coding-DNA position 2286, C replaced by T.
Protein change: p.His762=; no amino-acid change (histidine 762 retained).
Molecular consequence: synonymous variant.
Genome position (GRCh38, 1-based): chr10:114,297,241, G>A on the plus strand (C>T on the coding strand, the complement: AFAP1L2 is on the minus strand). VCF-style: chr10-114297241-G-A. GRCh37 (hg19) VCF-style: chr10-116057000-G-A.
Other names: c.2202C>T, p.His734= (NM_001351071.2); c.2199C>T, p.His733= (NM_001351072.2); c.2115C>T, p.His705= (NM_001351073.2); c.2283C>T, p.His761= (NM_001351074.2, NM_001351069.2); c.2037C>T, p.His679= (NM_001351075.2, NM_001351076.2); c.2367C>T, p.His789= (NM_001351077.2, NM_001351079.2); c.2370C>T, p.His790= (NM_001351078.2, NM_001351065.2); c.2121C>T, p.His707= (NM_001351080.2, NM_001351066.2); and 5 more.
Identifiers: ClinVar variation 2640862 (VCV002640862.24), dbSNP rs140286473, ClinGen allele CA5701023.

ClinVar aggregate classification (germline): Likely benign (1 of 4 stars; one submission).

Allele frequency attached by ClinVar (database versions not stated): 1000 Genomes Project 0.00180; 1000 Genomes Project 30x 0.00203; gnomAD 0.00351; TOPMed 0.00367; ESP Exome Variant Server 0.00431; ExAC 0.00437.
gnomAD v4.1: 7,754 of 1,613,760 alleles (0.48%); highest among the groups gnomAD compares: Non-Finnish European, 0.61%; 24 homozygotes.

Submission:

CeGaT Center for Human Genetics Tuebingen
Classification: Likely benign. Last evaluated: 2023-01-01. Review status: criteria provided, single submitter. Criteria: CeGaT Center For Human Genetics Tuebingen Variant Classification Criteria Version 2. Collection method: clinical testing. Allele origin: germline. Affected: yes. Observed: 1 variant allele.
Comment: AFAP1L2: BP4, BS2